The following is an entry in ClinVar:

NM_000203.5(IDUA):c.209del (p.Gln70fs)

Genes: IDUA (alpha-L-iduronidase; plus strand), SLC26A1 (solute carrier family 26 member 1; minus strand). Cytogenetic location: 4p16.3.
Variant type: Deletion.
Coding change: c.209del on transcript NM_000203.5 (MANE Select); coding-DNA position 209, one base deleted (A; older notation c.209delA).
Protein change: p.Gln70fs; shifts the reading frame from glutamine 70.
Molecular consequence: frameshift variant. On other transcripts: 3 prime UTR variant (2), non-coding transcript variant (1), intron variant (1).
Genome position (GRCh38, 1-based): chr4:987,859, A deleted. VCF-style (leftmost placement, unchanged base first): chr4-987858-CA-C. GRCh37 (hg19) VCF-style: chr4-981646-CA-C.
Other names: c.*974del (NM_022042.4, NM_213613.4); c.576+3269del (NM_134425.4); c.209delA (NM_000203.4); short protein forms Q70fs.
Identifiers: ClinVar variation 1070926 (VCV001070926.13), dbSNP rs2153015644, ClinGen allele CA2499217357.

ClinVar aggregate classification (germline): Pathogenic/Likely pathogenic. Review status: criteria provided, multiple submitters, no conflicts (2 of 4 stars). 3 submissions from 3 submitters: Pathogenic (2); Likely pathogenic (1). Last evaluated 2024-03-08.

Conditions:
Mucopolysaccharidosis type 1. Also called: IDUA deficiency; MPS I; Mucopolysaccharidosis Type I. Identifiers: Orphanet 579, MedGen C0023786, MONDO:0001586.

Submissions (3):

Natera, Inc.
Classification: Likely pathogenic for Mucopolysaccharidosis type I. Last evaluated: 2024-03-08. Review status: criteria provided, single submitter. Criteria: Natera Variant Classification Schema (03/2026). Collection method: clinical testing. Allele origin: germline.
Comment: The c.209delA variant in IDUA is a frameshift variant predicted to shift the reading frame beginning at codon 70 and leads to a stop codon 38 codons downstream. This variant is expected to result in nonsense mediated decay, truncation, or a dysfunctional protein product. This variant is rare in the general population with a frequency below the threshold expected for the associated phenotype(s). Given the available evidence, this variant is classified as Likely Pathogenic.

Labcorp Genetics (formerly Invitae), Labcorp
Classification: Pathogenic for Mucopolysaccharidosis type 1. Last evaluated: 2022-08-09. Review status: criteria provided, single submitter. Criteria: Invitae Variant Classification Sherloc (09022015). Collection method: clinical testing. Allele origin: germline.
Comment: This variant is not present in population databases (gnomAD no frequency). For these reasons, this variant has been classified as Pathogenic. Algorithms developed to predict the effect of sequence changes on RNA splicing suggest that this variant may disrupt the consensus splice site. ClinVar contains an entry for this variant (Variation ID: 1070926). This variant has not been reported in the literature in individuals affected with IDUA-related conditions. This sequence change creates a premature translational stop signal (p.Gln70Argfs*38) in the IDUA gene. It is expected to result in an absent or disrupted protein product. Loss-of-function variants in IDUA are known to be pathogenic (PMID: 11735025, 21480867).

Revvity Omics, Revvity
Classification: Pathogenic. Last evaluated: 2020-02-23. Review status: criteria provided, single submitter. Criteria: ACMG Guidelines, 2015. Collection method: clinical testing. Allele origin: germline.

Literature cited by the submitters: PubMed 11735025 (cited by Labcorp Genetics (formerly Invitae), Labcorp); PubMed 21480867 (cited by Labcorp Genetics (formerly Invitae), Labcorp).